The following is an entry in ClinVar:

ClinVar aggregate classification (germline): Uncertain significance (1 of 4 stars; one submission).

Conditions:
Emery-Dreifuss muscular dystrophy 4, autosomal dominant (EDMD4). Also called: EMERY-DREIFUSS MUSCULAR DYSTROPHY 4 WITH VARIABLE FEATURES. Identifiers: Orphanet 261, MedGen C2751807, MONDO:0013071, OMIM 612998.
Autosomal recessive ataxia, Beauce type. Also called: SYNE1 Deficiency; Spinocerebellar ataxia, autosomal recessive 8; ATAXIA, RECESSIVE, OF BEAUCE; SYNE1-Related Autosomal Recessive Cerebellar Ataxia. Identifiers: Orphanet 88644, MedGen C1853116, MONDO:0012549, OMIM 610743.

Submission:

Labcorp Genetics (formerly Invitae), Labcorp
Classification: Uncertain significance for Emery-Dreifuss muscular dystrophy 4, autosomal dominant; Autosomal recessive ataxia, Beauce type. Last evaluated: 2024-12-19. Review status: criteria provided, single submitter. Criteria: Invitae Variant Classification Sherloc (09022015). Collection method: clinical testing. Allele origin: germline.
Comment: This sequence change replaces isoleucine, which is neutral and non-polar, with valine, which is neutral and non-polar, at codon 7251 of the SYNE1 protein (p.Ile7251Val). This variant is not present in population databases (gnomAD no frequency). This variant has not been reported in the literature in individuals affected with SYNE1-related conditions. An algorithm developed to predict the effect of missense changes on protein structure and function outputs the following: PolyPhen-2: "Benign". The valine amino acid residue is found in multiple mammalian species, which suggests that this missense change does not adversely affect protein function. In summary, the available evidence is currently insufficient to determine the role of this variant in disease. Therefore, it has been classified as a Variant of Uncertain Significance.

NM_182961.4(SYNE1):c.21964A>G (p.Ile7322Val)

Gene: SYNE1 (spectrin repeat containing nuclear envelope protein 1; minus strand). Cytogenetic location: 6q25.2.
Variant type: single nucleotide variant.
Coding change: c.21964A>G on transcript NM_182961.4 (MANE Select); coding-DNA position 21964, A replaced by G.
Protein change: p.Ile7322Val; replaces isoleucine 7322 with valine.
Molecular consequence: missense variant.
Genome position (GRCh38, 1-based): chr6:152,219,083, T>C on the plus strand (A>G on the coding strand, the complement: SYNE1 is on the minus strand). VCF-style: chr6-152219083-T-C. GRCh37 (hg19) VCF-style: chr6-152540218-T-C.
Other names: c.21751A>G, p.Ile7251Val (NM_033071.5); short protein forms I7251V, I7322V.
Identifiers: ClinVar variation 3764075 (VCV003764075.2).